The following is an entry in ClinVar:

ClinVar aggregate classification (germline): Uncertain significance (1 of 4 stars; one submission).

Conditions:
Hereditary cancer-predisposing syndrome. Also called: Hereditary Cancer Syndrome; Tumor predisposition; Hereditary neoplastic syndrome; Neoplastic Syndromes, Hereditary. Identifiers: Orphanet 140162, MedGen C0027672, MeSH D009386, MONDO:0015356.

gnomAD v4.1: 2 of 1,613,192 alleles (0.00012%); highest among the groups gnomAD compares: South Asian, 0.0022%; no homozygotes.

Submission:

Ambry Genetics
Classification: Uncertain significance for Hereditary cancer-predisposing syndrome. Last evaluated: 2024-11-16. Review status: criteria provided, single submitter. Criteria: Ambry Variant Classification Scheme 2023. Collection method: clinical testing. Allele origin: germline.
Comment: The p.I312F variant (also known as c.934A>T), located in coding exon 8 of the MRE11A gene, results from an A to T substitution at nucleotide position 934. The isoleucine at codon 312 is replaced by phenylalanine, an amino acid with highly similar properties. This amino acid position is conserved. In addition, this alteration is predicted to be tolerated by in silico analysis. Based on the available evidence, the clinical significance of this variant remains unclear.

NM_005591.4(MRE11):c.934A>T (p.Ile312Phe)

Gene: MRE11 (MRE11 double strand break repair nuclease; minus strand). Cytogenetic location: 11q21.
Variant type: single nucleotide variant.
Coding change: c.934A>T on transcript NM_005591.4 (MANE Select); coding-DNA position 934, A replaced by T.
Protein change: p.Ile312Phe; replaces isoleucine 312 with phenylalanine.
Molecular consequence: missense variant.
Genome position (GRCh38, 1-based): chr11:94,470,554, T>A on the plus strand (A>T on the coding strand, the complement: MRE11 is on the minus strand). VCF-style: chr11-94470554-T-A. GRCh37 (hg19) VCF-style: chr11-94203720-T-A.
Other names: c.934A>T, p.Ile312Phe (NM_001330347.2, NM_005590.4); short protein forms I312F.
Identifiers: ClinVar variation 3397889 (VCV003397889.1).
Genomic context (GRCh38, chr11:94,470,554, plus strand): 5'-TGGCTTGGGTTACTTTAGGATTATCTGGGTTAAAAATGTCTGGATGATTAGCTAGAACAA[T>A]ATCCTCCATGAAAAACTGCCGCACTGTGTGAAGAGGAATTTTATGCATATTCATCTTCCT-3'
Protein context (NP_005582.1, residues 302-322): HTVRQFFMED[Ile312Phe]VLANHPDIFN